The following is an entry in ClinVar:

NM_001267550.2(TTN):c.4994G>T (p.Gly1665Val)

Gene: TTN (titin; minus strand). Cytogenetic location: 2q31.2.
Variant type: single nucleotide variant.
Coding change: c.4994G>T on transcript NM_001267550.2 (MANE Select); coding-DNA position 4994, G replaced by T.
Protein change: p.Gly1665Val; replaces glycine 1665 with valine.
Molecular consequence: missense variant.
Genome position (GRCh38, 1-based): chr2:178,776,870, C>A on the plus strand (G>T on the coding strand, the complement: TTN is on the minus strand). VCF-style: chr2-178776870-C-A. GRCh37 (hg19) VCF-style: chr2-179641597-C-A.
Other names: c.4994G>T, p.Gly1665Val (NM_001256850.1, NM_133378.4, NM_133379.5); c.4856G>T, p.Gly1619Val (NM_003319.4, NM_133432.3, NM_133437.4); short protein forms G1665V, G1619V.
Identifiers: ClinVar variation 1743596 (VCV001743596.2), dbSNP rs2532902055, ClinGen allele CA349458194.

ClinVar aggregate classification (germline): Uncertain significance (1 of 4 stars; one submission).

Conditions:
Cardiovascular phenotype. Identifiers: MedGen CN230736.

Allele frequency attached by ClinVar (database versions not stated): gnomAD exomes below 0.00001.

Submission:

Ambry Genetics
Classification: Uncertain significance for Cardiovascular phenotype. Last evaluated: 2020-06-23. Review status: criteria provided, single submitter. Criteria: Ambry Variant Classification Scheme 2023. Collection method: clinical testing. Allele origin: germline.
Comment: The p.G1619V variant (also known as c.4856G>T), located in coding exon 26 of the TTN gene, results from a G to T substitution at nucleotide position 4856. The glycine at codon 1619 is replaced by valine, an amino acid with dissimilar properties. This amino acid position is highly conserved in available vertebrate species. In addition, the in silico prediction for this alteration is inconclusive. Since supporting evidence is limited at this time, the clinical significance of this alteration remains unclear.